The following is an entry in ClinVar:

NM_001854.4(COL11A1):c.4248+5G>A

Gene: COL11A1 (collagen type XI alpha 1 chain; minus strand). Cytogenetic location: 1p21.1.
Variant type: single nucleotide variant.
Coding change: c.4248+5G>A on transcript NM_001854.4 (MANE Select); 5 bases into the intron after coding-DNA position 4248, G replaced by A.
Molecular consequence: intron variant.
Genome position (GRCh38, 1-based): chr1:102,898,661, C>T on the plus strand (G>A on the coding strand, the complement: COL11A1 is on the minus strand). VCF-style: chr1-102898661-C-T. GRCh37 (hg19) VCF-style: chr1-103364217-C-T.
Other names: c.4131+5G>A (NM_001190709.2); c.4284+5G>A (NM_080629.3); c.3900+5G>A (NM_080630.4).
Identifiers: ClinVar variation 1494874 (VCV001494874.6), dbSNP rs2100922391, ClinGen allele CA2573130851.
Genomic context (GRCh38, chr1:102,898,661, plus strand): 5'-TTCAAAATTTTTTTAAAATAAAAATGTTATTTTCAAAATGGCATCTTTTTAACACAGATG[C>T]TCACCACAGGACCAGGGATGCCCCGAAGACCTTCTGGACCAGGCTTTCCTGCAGGTCCCT-3'

ClinVar aggregate classification (germline): Uncertain significance (1 of 4 stars; one submission).

Submission:

Labcorp Genetics (formerly Invitae), Labcorp
Classification: Uncertain significance. Last evaluated: 2021-10-07. Review status: criteria provided, single submitter. Criteria: Invitae Variant Classification Sherloc (09022015). Collection method: clinical testing. Allele origin: germline.
Comment: In summary, the available evidence is currently insufficient to determine the role of this variant in disease. Therefore, it has been classified as a Variant of Uncertain Significance. Variants that disrupt the consensus splice site are a relatively common cause of aberrant splicing (PMID: 17576681, 9536098). Algorithms developed to predict the effect of sequence changes on RNA splicing suggest that this variant may disrupt the consensus splice site. This variant has not been reported in the literature in individuals affected with COL11A1-related conditions. This variant is not present in population databases (ExAC no frequency). This sequence change falls in intron 56 of the COL11A1 gene. It does not directly change the encoded amino acid sequence of the COL11A1 protein. It affects a nucleotide within the consensus splice site of the intron.

Literature cited by the submitters: PubMed 17576681; PubMed 9536098.